The following is an entry in ClinVar:

NM_000026.4(ADSL):c.20A>G (p.His7Arg)

Gene: ADSL (adenylosuccinate lyase; plus strand). Cytogenetic location: 22q13.1.
Variant type: single nucleotide variant.
Coding change: c.20A>G on transcript NM_000026.4 (MANE Select); coding-DNA position 20, A replaced by G.
Protein change: p.His7Arg; replaces histidine 7 with arginine.
Molecular consequence: missense variant. On other transcripts: 5 prime UTR variant (1), non-coding transcript variant (1).
Genome position (GRCh38, 1-based): chr22:40,346,578, A>G. VCF-style: chr22-40346578-A-G. GRCh37 (hg19) VCF-style: chr22-40742582-A-G.
Other names: c.20A>G, p.His7Arg (NM_001123378.3, NM_001363840.3); c.-118A>G (NM_001317923.2); short protein forms H7R.
Identifiers: ClinVar variation 382336 (VCV000382336.11), dbSNP rs377248090, ClinGen allele CA10247585.

ClinVar aggregate classification (germline): Conflicting classifications of pathogenicity. Review status: criteria provided, conflicting classifications (1 of 4 stars). 4 submissions from 4 submitters: Uncertain significance (3); Likely benign (1). Last evaluated 2024-01-16.

Conditions:
Inborn genetic diseases. Identifiers: MedGen C0950123, MeSH D030342.
Adenylosuccinate lyase deficiency (ADSLD). Also called: ADSL DEFICIENCY. Identifiers: Orphanet 46, MedGen C0268126, MONDO:0007068, OMIM 103050.

Allele frequency attached by ClinVar (database versions not stated): ExAC 0.00001; gnomAD 0.00001 and 0.00002; gnomAD exomes 0.00001; TOPMed 0.00002; ESP Exome Variant Server 0.00015.
gnomAD v4.1: 10 of 1,605,954 alleles (0.00062%); highest among the groups gnomAD compares: African/African-American, 0.0053%; no homozygotes.

Submissions (4):

Ambry Genetics
Classification: Likely benign for Inborn genetic diseases. Last evaluated: 2024-01-16. Review status: criteria provided, single submitter. Criteria: Ambry Variant Classification Scheme 2023. Collection method: clinical testing. Allele origin: germline.

Labcorp Genetics (formerly Invitae), Labcorp
Classification: Uncertain significance for Adenylosuccinate lyase deficiency. Last evaluated: 2023-12-11. Review status: criteria provided, single submitter. Criteria: Invitae Variant Classification Sherloc (09022015). Collection method: clinical testing. Allele origin: germline.
Comment: This sequence change replaces histidine, which is basic and polar, with arginine, which is basic and polar, at codon 7 of the ADSL protein (p.His7Arg). This variant is present in population databases (rs377248090, gnomAD 0.01%). This variant has not been reported in the literature in individuals affected with ADSL-related conditions. ClinVar contains an entry for this variant (Variation ID: 382336). Advanced modeling of protein sequence and biophysical properties (such as structural, functional, and spatial information, amino acid conservation, physicochemical variation, residue mobility, and thermodynamic stability) performed at Invitae indicates that this missense variant is not expected to disrupt ADSL protein function with a negative predictive value of 95%. In summary, the available evidence is currently insufficient to determine the role of this variant in disease. Therefore, it has been classified as a Variant of Uncertain Significance.

Blueprint Genetics
Classification: Uncertain significance. Last evaluated: 2021-06-03. Review status: criteria provided, single submitter. Criteria: ACMG Guidelines, 2015. Collection method: clinical testing. Allele origin: germline.

GeneDx
Classification: Uncertain significance. Last evaluated: 2015-12-23. Review status: criteria provided, single submitter. Criteria: GeneDx Variant Classification (06012015). Collection method: clinical testing. Allele origin: germline. Affected: yes.
Comment: A variant of uncertain significance has been identified in the ADSL gene. The H7R variant has not been published as a pathogenic variant, nor has it been reported as a benign variant to our knowledge. The H7R variant was not observed with any significant frequency in approximately 6,500 individuals of European and African American ancestry in the NHLBI Exome Sequencing Project. Missense variants in nearby residues (A2V, A3P/V) have been reported in the Human Gene Mutation Database in association with adenylosuccinate lyase deficiency (Stenson et al., 2014). However, the H7R variant is a conservative amino acid substitution, which is not likely to impact secondary protein structure as these residues share similar properties. This substitution occurs at a position that is not conserved, and in silico analysis predicts this variant likely does not alter the protein structure/function. Therefore, based on the currently available information, it is unclear whether this variant is a pathogenic variant or a rare benign variant.